The following is an entry in ClinVar:

NM_032409.3(PINK1):c.853G>A (p.Val285Met)

Genes: PINK1 (PTEN induced kinase 1; plus strand), PINK1-AS (PINK1 antisense RNA; minus strand). Cytogenetic location: 1p36.12.
Variant type: single nucleotide variant.
Coding change: c.853G>A on transcript NM_032409.3 (MANE Select); coding-DNA position 853, G replaced by A.
Protein change: p.Val285Met; replaces valine 285 with methionine.
Molecular consequence: missense variant.
Genome position (GRCh38, 1-based): chr1:20,644,566, G>A. VCF-style: chr1-20644566-G-A. GRCh37 (hg19) VCF-style: chr1-20971059-G-A.
Other names: short protein forms V285M.
Identifiers: ClinVar variation 1983019 (VCV001983019.4), dbSNP rs557503577, ClinGen allele CA660559.

ClinVar aggregate classification (germline): Uncertain significance (1 of 4 stars; one submission).

Conditions:
Autosomal recessive early-onset Parkinson disease 6 (PARK6). Also called: PARKINSON DISEASE 6, MODIFIER OF; PARKINSON DISEASE 6, EARLY-ONSET; PINK1 Type of Young-Onset Parkinson Disease; PINK1-Related Parkinson Disease. Identifiers: Orphanet 2828, MedGen C1853833, MONDO:0011613, OMIM 605909.

Allele frequency attached by ClinVar (database versions not stated): gnomAD 0.00002; ExAC 0.00005.
gnomAD v4.1: 14 of 1,614,172 alleles (0.00087%); highest among the groups gnomAD compares: Admixed American, 0.0083%; no homozygotes.

Submission:

Labcorp Genetics (formerly Invitae), Labcorp
Classification: Uncertain significance for Autosomal recessive early-onset Parkinson disease 6. Last evaluated: 2022-02-22. Review status: criteria provided, single submitter. Criteria: Invitae Variant Classification Sherloc (09022015). Collection method: clinical testing. Allele origin: germline.
Comment: In summary, the available evidence is currently insufficient to determine the role of this variant in disease. Therefore, it has been classified as a Variant of Uncertain Significance. Algorithms developed to predict the effect of missense changes on protein structure and function are either unavailable or do not agree on the potential impact of this missense change (SIFT: "Deleterious"; PolyPhen-2: "Probably Damaging"; Align-GVGD: "Class C0"). This sequence change replaces valine, which is neutral and non-polar, with methionine, which is neutral and non-polar, at codon 285 of the PINK1 protein (p.Val285Met). This variant is present in population databases (rs557503577, gnomAD 0.01%). This missense change has been observed in individual(s) with Parkinson disease (PMID: 32713623).

Literature cited by the submitters: PubMed 32713623.